The following is an entry in ClinVar:

NM_001371928.1(AHDC1):c.2885C>T (p.Pro962Leu)

Gene: AHDC1 (AT-hook DNA binding motif containing 1; minus strand). Cytogenetic location: 1p36.11.
Variant type: single nucleotide variant.
Coding change: c.2885C>T on transcript NM_001371928.1 (MANE Select); coding-DNA position 2885, C replaced by T.
Protein change: p.Pro962Leu; replaces proline 962 with leucine.
Molecular consequence: missense variant.
Genome position (GRCh38, 1-based): chr1:27,549,231, G>A on the plus strand (C>T on the coding strand, the complement: AHDC1 is on the minus strand). VCF-style: chr1-27549231-G-A. GRCh37 (hg19) VCF-style: chr1-27875742-G-A.
Other names: c.2885C>T, p.Pro962Leu (NM_001029882.3); short protein forms P962L.
Identifiers: ClinVar variation 1216497 (VCV001216497.28), dbSNP rs533069538, ClinGen allele CA715672.
Genomic context (GRCh38, chr1:27,549,231, plus strand): 5'-GCGAATACGCTTTGTCCGGCCCCATAGCCGCCGTACTGGGGCAGGTAGGTGTTGGCAGGC[G>A]GGTGGGTGGTAGGTGAGCGGGCCATGGCTGAGGGCGGGGGCACCAGCTTGGGGAAGGTCT-3'
Protein context (NP_001358857.1, residues 952-972): SAMARSPTTH[Pro962Leu]PANTYLPQYG

ClinVar aggregate classification (germline): Likely benign. Review status: criteria provided, multiple submitters, no conflicts (2 of 4 stars). 4 submissions from 4 submitters: Likely benign (3). 1 of the submissions does not count toward it. Last evaluated 2025-11-17.

Conditions:
AHDC1-related disorder. Also called: AHDC1-related condition.

Allele frequency attached by ClinVar (database versions not stated): gnomAD 0.00006; ExAC 0.00007; gnomAD exomes 0.00008; TOPMed 0.00008.
gnomAD v4.1: 127 of 1,604,554 alleles (0.0079%); highest among the groups gnomAD compares: Non-Finnish European, 0.0089%; no homozygotes.

Submissions (4):

Labcorp Genetics (formerly Invitae), Labcorp
Classification: Likely benign. Last evaluated: 2025-11-17. Review status: criteria provided, single submitter. Criteria: Invitae Variant Classification Sherloc (09022015). Collection method: clinical testing. Allele origin: germline.

CeGaT Center for Human Genetics Tuebingen
Classification: Likely benign. Last evaluated: 2024-05-01. Review status: criteria provided, single submitter. Criteria: CeGaT Center For Human Genetics Tuebingen Variant Classification Criteria Version 2. Collection method: clinical testing. Allele origin: germline. Affected: yes. Observed: 1 variant allele.
Comment: AHDC1: BP1, BS1

GeneDx
Classification: Likely benign. Last evaluated: 2021-02-12. Review status: criteria provided, single submitter. Criteria: GeneDx Variant Classification Process June 2021. Collection method: clinical testing. Allele origin: germline. Affected: yes.

PreventionGenetics, part of Exact Sciences
Classification: Likely benign for AHDC1-related condition. Last evaluated: 2022-06-30. Review status: no assertion criteria provided. Collection method: clinical testing. Allele origin: germline. Not counted in ClinVar's aggregate classification.
Comment: This variant is classified as likely benign based on ACMG/AMP sequence variant interpretation guidelines (Richards et al. 2015 PMID: 25741868, with internal and published modifications).